The following is an entry in ClinVar:

NM_014810.5(CEP350):c.8985A>G (p.Gln2995=)

Gene: CEP350 (centrosomal protein 350; plus strand). Cytogenetic location: 1q25.2.
Variant type: single nucleotide variant.
Coding change: c.8985A>G on transcript NM_014810.5 (MANE Select); coding-DNA position 8985, A replaced by G.
Protein change: p.Gln2995=; no amino-acid change (glutamine 2995 retained).
Molecular consequence: synonymous variant.
Genome position (GRCh38, 1-based): chr1:180,096,103, A>G. VCF-style: chr1-180096103-A-G. GRCh37 (hg19) VCF-style: chr1-180065238-A-G.
Identifiers: ClinVar variation 2639599 (VCV002639599.24), dbSNP rs148604954, ClinGen allele CA1270957.

ClinVar aggregate classification (germline): Likely benign (1 of 4 stars; one submission).

Allele frequency attached by ClinVar (database versions not stated): ESP Exome Variant Server 0.00278; 1000 Genomes Project 0.00319; TOPMed 0.00327; 1000 Genomes Project 30x 0.00328.
gnomAD v4.1: 7,426 of 1,559,668 alleles (0.48%); highest among the groups gnomAD compares: South Asian, 0.67%; 27 homozygotes.

Submission:

CeGaT Center for Human Genetics Tuebingen
Classification: Likely benign. Last evaluated: 2023-02-01. Review status: criteria provided, single submitter. Criteria: CeGaT Center For Human Genetics Tuebingen Variant Classification Criteria Version 2. Collection method: clinical testing. Allele origin: germline. Affected: yes. Observed: 2 variant alleles.
Comment: CEP350: BP4, BP7, BS2